The following is an entry in ClinVar:

ClinVar aggregate classification (germline): Uncertain significance (1 of 4 stars; one submission).

Conditions:
Glycogen storage disease, type II (IOPD). Also called: Pompe Disease; Glycogen storage disease type 2; Acid maltase deficiency disease; Aglucosidase alfa; Deficiency of alpha-glucosidase; Deficiency of lysosomal alpha-glucosidase. Identifiers: Orphanet 365, MedGen C0017921, MONDO:0009290, OMIM 232300.

Submission:

Labcorp Genetics (formerly Invitae), Labcorp
Classification: Uncertain significance for Glycogen storage disease, type II. Last evaluated: 2021-11-13. Review status: criteria provided, single submitter. Criteria: Invitae Variant Classification Sherloc (09022015). Collection method: clinical testing. Allele origin: germline.
Comment: In summary, the available evidence is currently insufficient to determine the role of this variant in disease. Therefore, it has been classified as a Variant of Uncertain Significance. Advanced modeling of protein sequence and biophysical properties (such as structural, functional, and spatial information, amino acid conservation, physicochemical variation, residue mobility, and thermodynamic stability) performed at Invitae indicates that this missense variant is expected to disrupt GAA protein function. This variant has not been reported in the literature in individuals affected with GAA-related conditions. This variant is not present in population databases (gnomAD no frequency). This sequence change replaces threonine, which is neutral and polar, with isoleucine, which is neutral and non-polar, at codon 485 of the GAA protein (p.Thr485Ile).

NM_000152.5(GAA):c.1454C>T (p.Thr485Ile)

Gene: GAA (alpha glucosidase; plus strand). Cytogenetic location: 17q25.3.
Variant type: single nucleotide variant.
Coding change: c.1454C>T on transcript NM_000152.5 (MANE Select); coding-DNA position 1454, C replaced by T.
Protein change: p.Thr485Ile; replaces threonine 485 with isoleucine.
Molecular consequence: missense variant.
Genome position (GRCh38, 1-based): chr17:80,110,743, C>T. VCF-style: chr17-80110743-C-T. GRCh37 (hg19) VCF-style: chr17-78084542-C-T.
Other names: c.1454C>T, p.Thr485Ile (NM_001079803.3, NM_001079804.3); short protein forms T485I.
Identifiers: ClinVar variation 1396389 (VCV001396389.6), dbSNP rs2143872073, ClinGen allele CA401366828.